The following is an entry in ClinVar:

ClinVar aggregate classification (germline): Uncertain significance (1 of 4 stars; one submission).

Conditions:
Hypertrophic cardiomyopathy 11. Also called: ACTC1-Related Familial Hypertrophic Cardiomyopathy. Identifiers: MedGen C2677506, MONDO:0012799, OMIM 612098.
Dilated cardiomyopathy 1R (CMD1R). Identifiers: Orphanet 154, Orphanet 54260, MedGen C3150681, MONDO:0013261, OMIM 613424.
Atrial septal defect 5 (ASD5). Identifiers: Orphanet 1478, MedGen C2748552, MONDO:0013011, OMIM 612794.

Submission:

Labcorp Genetics (formerly Invitae), Labcorp
Classification: Uncertain significance for Dilated cardiomyopathy 1R; Hypertrophic cardiomyopathy 11; Atrial septal defect 5. Last evaluated: 2023-09-28. Review status: criteria provided, single submitter. Criteria: Invitae Variant Classification Sherloc (09022015). Collection method: clinical testing. Allele origin: germline.
Comment: In summary, the available evidence is currently insufficient to determine the role of this variant in disease. Therefore, it has been classified as a Variant of Uncertain Significance. This sequence change replaces asparagine, which is neutral and polar, with aspartic acid, which is acidic and polar, at codon 14 of the ACTC1 protein (p.Asn14Asp). This variant is not present in population databases (gnomAD no frequency). This variant has not been reported in the literature in individuals affected with ACTC1-related conditions. Advanced modeling of protein sequence and biophysical properties (such as structural, functional, and spatial information, amino acid conservation, physicochemical variation, residue mobility, and thermodynamic stability) performed at Invitae indicates that this missense variant is expected to disrupt ACTC1 protein function.

NM_005159.5(ACTC1):c.40A>G (p.Asn14Asp)

Genes: GJD2-DT (GJD2 divergent transcript; plus strand), ACTC1 (actin alpha cardiac muscle 1; minus strand). Cytogenetic location: 15q14.
Variant type: single nucleotide variant.
Coding change: c.40A>G on transcript NM_005159.5 (MANE Select); coding-DNA position 40, A replaced by G.
Protein change: p.Asn14Asp; replaces asparagine 14 with aspartic acid.
Molecular consequence: missense variant.
Genome position (GRCh38, 1-based): chr15:34,794,769, T>C on the plus strand (A>G on the coding strand, the complement: ACTC1 is on the minus strand). VCF-style: chr15-34794769-T-C. GRCh37 (hg19) VCF-style: chr15-35086970-T-C.
Other names: c.40A>G, p.Asn14Asp (NM_001406482.1, NM_001406483.1); short protein forms N14D.
Identifiers: ClinVar variation 2952343 (VCV002952343.3), dbSNP rs2504185639, ClinGen allele CA391633370.